The following is an entry in ClinVar:

NM_004525.3(LRP2):c.12958A>G (p.Ile4320Val)

Gene: LRP2 (LDL receptor related protein 2; minus strand). Cytogenetic location: 2q31.1.
Variant type: single nucleotide variant.
Coding change: c.12958A>G on transcript NM_004525.3 (MANE Select); coding-DNA position 12958, A replaced by G.
Protein change: p.Ile4320Val; replaces isoleucine 4320 with valine.
Molecular consequence: missense variant.
Genome position (GRCh38, 1-based): chr2:169,145,777, T>C on the plus strand (A>G on the coding strand, the complement: LRP2 is on the minus strand). VCF-style: chr2-169145777-T-C. GRCh37 (hg19) VCF-style: chr2-170002287-T-C.
Other names: c.12958A>G (NM_004525.2); short protein forms I4320V.
Identifiers: ClinVar variation 1574810 (VCV001574810.11), dbSNP rs141452561, ClinGen allele CA1952695.
Genomic context (GRCh38, chr2:169,145,777, plus strand): 5'-GGAGCATCTTATACCAAAGTTGGTGATTACCTGACTTATTGTATCTGAGTTGATGAAAGA[T>C]TCGAACTTGAGTGAGCCAAGGGTTCACTACCAGCGTTTTCTCTTTCTTTCCTTGCCCAAA-3'
Protein context (NP_004516.2, residues 4310-4330): VVNPWLTQVR[Ile4320Val]FHQLRYNKSV

ClinVar aggregate classification (germline): Conflicting classifications of pathogenicity. Review status: criteria provided, conflicting classifications (1 of 4 stars). 3 submissions from 3 submitters: Uncertain significance (1); Likely benign (2). Last evaluated 2026-01-23.

Conditions:
Inborn genetic diseases. Identifiers: MedGen C0950123, MeSH D030342.

Allele frequency attached by ClinVar (database versions not stated): gnomAD exomes 0.00001 and 0.00004; gnomAD 0.00021 and 0.00019; TOPMed 0.00021; ESP Exome Variant Server 0.00023; ExAC 0.00004.
gnomAD v4.1: 43 of 1,614,188 alleles (0.0027%); highest among the groups gnomAD compares: African/African-American, 0.056%; 1 homozygote.

Submissions (3):

Labcorp Genetics (formerly Invitae), Labcorp
Classification: Likely benign. Last evaluated: 2026-01-23. Review status: criteria provided, single submitter. Criteria: Invitae Variant Classification Sherloc (09022015). Collection method: clinical testing. Allele origin: germline.

GeneDx
Classification: Uncertain significance. Last evaluated: 2025-03-19. Review status: criteria provided, single submitter. Criteria: GeneDx Variant Classification Process June 2021. Collection method: clinical testing. Allele origin: germline.
Comment: In silico analysis indicates that this missense variant does not alter protein structure/function; Has not been previously published as pathogenic or benign to our knowledge

Ambry Genetics
Classification: Likely benign for Inborn genetic diseases. Last evaluated: 2021-07-28. Review status: criteria provided, single submitter. Criteria: Ambry Variant Classification Scheme 2023. Collection method: clinical testing. Allele origin: germline.